The following is an entry in ClinVar:

NM_000517.6(HBA2):c.263A>C (p.His88Pro)

Genes: HBA2 (hemoglobin subunit alpha 2; plus strand), LOC106804612 (hemoglobin subunit alpha 2 recombination region; plus strand). Cytogenetic location: 16p13.3.
Variant type: single nucleotide variant.
Coding change: c.263A>C on transcript NM_000517.6 (MANE Select); coding-DNA position 263, A replaced by C.
Protein change: p.His88Pro; replaces histidine 88 with proline.
Molecular consequence: missense variant.
Genome position (GRCh38, 1-based): chr16:173,292, A>C. VCF-style: chr16-173292-A-C. GRCh37 (hg19) VCF-style: chr16-223291-A-C.
Other names: short protein forms H88P.
Identifiers: ClinVar variation 2428678 (VCV002428678.3), dbSNP rs281864867, ClinGen allele CA276414983.

ClinVar aggregate classification (germline): Uncertain significance (1 of 4 stars; one submission).

Submission:

ARUP Laboratories, Molecular Genetics and Genomics, ARUP Laboratories
Classification: Uncertain significance. Last evaluated: 2022-07-12. Review status: criteria provided, single submitter. Criteria: ARUP Molecular Germline Variant Investigation Process 2021. Collection method: clinical testing. Allele origin: germline.
Comment: The Hb Grifton variant (HBA2: c.263A>C; p.His88Pro, also known as His 87Pro when numbered from the mature protein, rs281864867, HbVar ID: 918) has been reported heterozygous in the literature in individuals described as asymptomatic but with mild to moderate microcytosis (see HbVar and references therein, Waters 2016). In addition, this variant has been associated with erroneously decreased pulse oximetry measurements due to differences in light absorption between oxygenated Hb Grifton variant and oxygenated Hb A (Waters 2016). This variant has been described as unstable and is absent from the Genome Aggregation Database, indicating it is not a common polymorphism. The histidine at codon 88 is highly conserved, and computational analyses predict that this variant is deleterious (REVEL: 0.879). Due to limited information, the clinical significance of the p.His88Pro variant is uncertain at this time. References: Link to HbVar database: Waters AM et al. Hb Grifton [alpha87(F8)His?Pro; HBA1: C.263A?>?C (or HBA2)] Causes Abnormal Pulse Oximetry Measurements. Hemoglobin. 2016 Aug;40(4):257-9. PMID: 27225845.